The following is an entry in ClinVar:

ClinVar aggregate classification (germline): Pathogenic (1 of 4 stars; one submission).

Conditions:
Hereditary cancer-predisposing syndrome. Also called: Hereditary neoplastic syndrome; Neoplastic Syndromes, Hereditary; Tumor predisposition; Hereditary Cancer Syndrome. Identifiers: Orphanet 140162, MedGen C0027672, MeSH D009386, MONDO:0015356.

Submission:

Ambry Genetics
Classification: Pathogenic for Hereditary cancer-predisposing syndrome. Last evaluated: 2025-03-06. Review status: criteria provided, single submitter. Criteria: Ambry Variant Classification Scheme 2023. Collection method: clinical testing. Allele origin: germline.
Comment: The c.491delT pathogenic mutation, located in coding exon 4 of the DICER1 gene, results from a deletion of one nucleotide at nucleotide position 491, causing a translational frameshift with a predicted alternate stop codon (p.L164Yfs*19). This variant is considered to be rare based on population cohorts in the Genome Aggregation Database (gnomAD). This alteration is expected to result in loss of function by premature protein truncation or nonsense-mediated mRNA decay. As such, this alteration is interpreted as a disease-causing mutation.

NM_177438.3(DICER1):c.491del (p.Leu164fs)

Gene: DICER1 (dicer 1, ribonuclease III; minus strand). Cytogenetic location: 14q32.13.
Variant type: Deletion.
Coding change: c.491del on transcript NM_177438.3 (MANE Select); coding-DNA position 491, one base deleted (T; older notation c.491delT).
Protein change: p.Leu164fs; shifts the reading frame from leucine 164.
Molecular consequence: frameshift variant. On other transcripts: 5 prime UTR variant (1), non-coding transcript variant (6), intron variant (1).
Genome position (GRCh38, 1-based): chr14:95,130,140, A deleted on the plus strand (T on the coding strand, the reverse complement: DICER1 is on the minus strand); the first of 2 consecutive A bases (chr14:95,130,140-95,130,141); deleting either gives the same sequence. VCF-style (leftmost placement, unchanged base first): chr14-95130139-TA-T. GRCh37 (hg19) VCF-style: chr14-95596476-TA-T.
Other names: c.491del, p.Leu164fs (NM_001195573.1, NM_001271282.3, NM_001291628.2 and 14 more transcripts); c.209del, p.Leu70fs (NM_001395686.1); c.86del, p.Leu29fs (NM_001395687.1, NM_001395688.1, NM_001395689.1 and 3 more transcripts); c.-1078del (NM_001395697.1); c.-20-57del (NM_001395691.1); c.491delT (NM_177438.2); short protein forms L164fs, L29fs, L70fs.
Identifiers: ClinVar variation 3840040 (VCV003840040.1).